The following is an entry in ClinVar:

NM_000219.6(KCNE1):c.14A>C (p.Asn5Thr)

Gene: KCNE1 (potassium voltage-gated channel subfamily E regulatory subunit 1; minus strand). Cytogenetic location: 21q22.12.
Variant type: single nucleotide variant.
Coding change: c.14A>C on transcript NM_000219.6 (MANE Select); coding-DNA position 14, A replaced by C.
Protein change: p.Asn5Thr; replaces asparagine 5 with threonine.
Molecular consequence: missense variant.
Genome position (GRCh38, 1-based): chr21:34,449,621, T>G on the plus strand (A>C on the coding strand, the complement: KCNE1 is on the minus strand). VCF-style: chr21-34449621-T-G. GRCh37 (hg19) VCF-style: chr21-35821919-T-G.
Other names: c.14A>C, p.Asn5Thr (NM_001127668.4, NM_001127669.4, NM_001127670.4 and 4 more transcripts); short protein forms N5T.
Identifiers: ClinVar variation 3374149 (VCV003374149.2).

Conditions:
Long QT syndrome 5 (LQT5). Identifiers: Orphanet 101016, Orphanet 768, MedGen C1867904, MONDO:0013372, OMIM 613695.

Submission:

Roden Lab, Vanderbilt University Medical Center
No classification provided (evidence only). Condition: Long QT syndrome 5. Review status: no classification provided. Collection method: in vitro. Allele origin: not applicable. Functional consequence: Effect on ion channel function.
ClinVar note: "not provided" was previously submitted as the classification for the variant. However, the classification appeared to be based only on an observation of functional data so it was converted to no classification on 2025-07-30.